The following is an entry in ClinVar:

ClinVar aggregate classification (germline): Uncertain significance (1 of 4 stars; one submission).

Allele frequency attached by ClinVar (database versions not stated): gnomAD exomes below 0.00001.
gnomAD v4.1: 1 of 1,601,652 alleles (0.000062%); highest among the groups gnomAD compares: Middle Eastern, 0.018%; no homozygotes.

Submission:

GeneDx
Classification: Uncertain significance. Last evaluated: 2017-11-02. Review status: criteria provided, single submitter. Criteria: GeneDx Variant Classification (06012015). Collection method: clinical testing. Allele origin: germline. Affected: yes.
Comment: A variant of uncertain significance has been identified in the BICD2 gene. The K588E variant has not been published as a pathogenic variant, nor has it been reported as a benign variant to our knowledge. The K588E variant is not observed in large population cohorts (Lek et al., 2016). The K588E variant is a non-conservative amino acid substitution, which is likely to impact secondary protein structure as these residues differ in polarity, charge, size and/or other properties. However, this substitution occurs at a position where amino acids with similar properties to Lysine are tolerated across species. In silico analysis is inconsistent in its predictions as to whether or not the variant is damaging to the protein structure/function. Therefore, based on the currently available information, it is unclear whether this variant is a pathogenic variant or a rare benign variant.

NM_001003800.2(BICD2):c.1762A>G (p.Lys588Glu)

Gene: BICD2 (BICD cargo adaptor 2; minus strand). Cytogenetic location: 9q22.31.
Variant type: single nucleotide variant.
Coding change: c.1762A>G on transcript NM_001003800.2 (MANE Select); coding-DNA position 1762, A replaced by G.
Protein change: p.Lys588Glu; replaces lysine 588 with glutamic acid.
Molecular consequence: missense variant.
Genome position (GRCh38, 1-based): chr9:92,718,883, T>C on the plus strand (A>G on the coding strand, the complement: BICD2 is on the minus strand). VCF-style: chr9-92718883-T-C. GRCh37 (hg19) VCF-style: chr9-95481165-T-C.
Other names: c.1762A>G, p.Lys588Glu (NM_015250.4); short protein forms K588E.
Identifiers: ClinVar variation 453091 (VCV000453091.2), dbSNP rs1554705436, ClinGen allele CA374036016.